The following is an entry in ClinVar:

ClinVar aggregate classification (germline): Likely benign (0 of 4 stars; one submission).

Conditions:
KSR2-related disorder. Also called: KSR2-related condition.

gnomAD v4.1: 2 of 1,613,834 alleles (0.00012%); highest among the groups gnomAD compares: Non-Finnish European, 0.00017%; no homozygotes.

Submission:

PreventionGenetics, part of Exact Sciences
Classification: Likely benign for KSR2-related condition. Last evaluated: 2020-07-28. Review status: no assertion criteria provided. Collection method: clinical testing. Allele origin: germline.
Comment: This variant is classified as likely benign based on ACMG/AMP sequence variant interpretation guidelines (Richards et al. 2015 PMID: 25741868, with internal and published modifications).

NM_173598.6(KSR2):c.267C>T (p.Phe89=)

Gene: KSR2 (kinase suppressor of ras 2; minus strand). Cytogenetic location: 12q24.23.
Variant type: single nucleotide variant.
Coding change: c.267C>T on transcript NM_173598.6 (MANE Select); coding-DNA position 267, C replaced by T.
Protein change: p.Phe89=; no amino-acid change (phenylalanine 89 retained).
Molecular consequence: synonymous variant.
Genome position (GRCh38, 1-based): chr12:117,860,345, G>A on the plus strand (C>T on the coding strand, the complement: KSR2 is on the minus strand). VCF-style: chr12-117860345-G-A. GRCh37 (hg19) VCF-style: chr12-118298150-G-A.
Identifiers: ClinVar variation 3351688 (VCV003351688.1).